The following is an entry in ClinVar:

ClinVar aggregate classification (germline): Uncertain significance. Review status: criteria provided, multiple submitters, no conflicts (2 of 4 stars). 2 submissions from 2 submitters: Uncertain significance (2). Last evaluated 2025-08-02.

Conditions:
Bleeding disorder, platelet-type, 13, susceptibility to (BDPLT13). Also called: BLEEDING DISORDER, SUSCEPTIBILITY TO, DUE TO DEFECTIVE PLATELET THROMBOXANE A2 RECEPTOR. Identifiers: MedGen C3279614, MONDO:0800447, OMIM 614009.

Allele frequency attached by ClinVar (database versions not stated): TOPMed below 0.00001; gnomAD exomes 0.00001.

Submissions (2):

Labcorp Genetics (formerly Invitae), Labcorp
Classification: Uncertain significance. Last evaluated: 2025-08-02. Review status: criteria provided, single submitter. Criteria: Invitae Variant Classification Sherloc (09022015). Collection method: clinical testing. Allele origin: germline.
Comment: This sequence change replaces serine, which is neutral and polar, with leucine, which is neutral and non-polar, at codon 207 of the TBXA2R protein (p.Ser207Leu). This variant is present in population databases (no rsID available, gnomAD 0.002%). This missense change has been observed in individual(s) with TBXA2R-related condition (PMID: 28983057). ClinVar contains an entry for this variant (Variation ID: 1703802). Invitae Evidence Modeling of protein sequence and biophysical properties (such as structural, functional, and spatial information, amino acid conservation, physicochemical variation, residue mobility, and thermodynamic stability) indicates that this missense variant is not expected to disrupt TBXA2R protein function with a negative predictive value of 80%. In summary, the available evidence is currently insufficient to determine the role of this variant in disease. Therefore, it has been classified as a Variant of Uncertain Significance.

ISTH-SSC Genomics in Thrombosis and Hemostasis, KU Leuven, Center for Molecular and Vascular Biology
Classification: Uncertain significance for Bleeding disorder, platelet-type, 13, susceptibility to. Review status: criteria provided, single submitter. Criteria: ACMG Guidelines, 2015. Collection method: clinical testing. Allele origin: germline. Affected: yes. Observed: 1 heterozygote.
Comment: Submitted to GoldVariant by Jose María Bastida and José Rivera; Grupo Español de Alteraciones Plaquetarias Congénitas (GEAPC)

Literature cited by the submitters: PubMed 28983057 (cited by Labcorp Genetics (formerly Invitae), Labcorp).

NM_001060.6(TBXA2R):c.620C>T (p.Ser207Leu)

Gene: TBXA2R (thromboxane A2 receptor; minus strand). Cytogenetic location: 19p13.3.
Variant type: single nucleotide variant.
Coding change: c.620C>T on transcript NM_001060.6 (MANE Select); coding-DNA position 620, C replaced by T.
Protein change: p.Ser207Leu; replaces serine 207 with leucine.
Molecular consequence: missense variant.
Genome position (GRCh38, 1-based): chr19:3,600,015, G>A on the plus strand (C>T on the coding strand, the complement: TBXA2R is on the minus strand). VCF-style: chr19-3600015-G-A. GRCh37 (hg19) VCF-style: chr19-3600013-G-A.
Other names: c.620C>T, p.Ser207Leu (NM_201636.3); short protein forms S207L.
Identifiers: ClinVar variation 1703802 (VCV001703802.3), dbSNP rs976803993, ClinGen allele CA304368717.
Genomic context (GRCh38, chr19:3,600,015, plus strand): 5'-TGGTAGACGTGGCACAGGGTGGCCACGCTGACCGTGTTCAGCAGGAAGGACAGCCCGACC[G>A]AGAGGCCGCCCAGCATGGAGAAGAGCAGCCCGAAGGCCACGTCCCCGGACTCGGCGCCCA-3'
Protein context (NP_001051.1, residues 197-217): GLLFSMLGGL[Ser207Leu]VGLSFLLNTV